The following is an entry in ClinVar:

NM_001698.3(AUH):c.894+8C>A

Gene: AUH (AU RNA binding methylglutaconyl-CoA hydratase; minus strand). Cytogenetic location: 9q22.31.
Variant type: single nucleotide variant.
Coding change: c.894+8C>A on transcript NM_001698.3 (MANE Select); 8 bases into the intron after coding-DNA position 894, C replaced by A.
Molecular consequence: intron variant.
Genome position (GRCh38, 1-based): chr9:91,217,269, G>T on the plus strand (C>A on the coding strand, the complement: AUH is on the minus strand). VCF-style: chr9-91217269-G-T. GRCh37 (hg19) VCF-style: chr9-93979551-G-T.
Other names: c.807+8C>A (NM_001306190.2); c.567+8C>A (NM_001351433.2, NM_001351431.2, NM_001351432.2).
Identifiers: ClinVar variation 515348 (VCV000515348.2), dbSNP rs551351122, ClinGen allele CA5119701.

ClinVar aggregate classification (germline): Likely benign. Review status: criteria provided, multiple submitters, no conflicts (2 of 4 stars). 2 submissions from 2 submitters: Likely benign (2). Last evaluated 2025-05-28.

Conditions:
3-methylglutaconic aciduria type 1 (MGCA1). Identifiers: Orphanet 67046, MedGen C0342727, MONDO:0009610, OMIM 250950.

Allele frequency attached by ClinVar (database versions not stated): gnomAD below 0.00001 and 0.00003; 1000 Genomes Project 0.00020; 1000 Genomes Project 30x 0.00031.
gnomAD v4.1: 7 of 1,612,804 alleles (0.00043%); highest among the groups gnomAD compares: South Asian, 0.0077%; no homozygotes.

Submissions (2):

Labcorp Genetics (formerly Invitae), Labcorp
Classification: Likely benign for 3-methylglutaconic aciduria type 1. Last evaluated: 2025-05-28. Review status: criteria provided, single submitter. Criteria: Invitae Variant Classification Sherloc (09022015). Collection method: clinical testing. Allele origin: germline.

GeneDx
Classification: Likely benign. Last evaluated: 2018-02-23. Review status: criteria provided, single submitter. Criteria: GeneDx Variant Classification (06012015). Collection method: clinical testing. Allele origin: germline. Affected: yes.
Comment: This variant is considered likely benign or benign based on one or more of the following criteria: it is a conservative change, it occurs at a poorly conserved position in the protein, it is predicted to be benign by multiple in silico algorithms, and/or has population frequency not consistent with disease.